The following is an entry in ClinVar:

ClinVar aggregate classification (germline): Uncertain significance (1 of 4 stars; one submission).

Conditions:
Hereditary cancer-predisposing syndrome. Also called: Neoplastic Syndromes, Hereditary; Tumor predisposition; Hereditary Cancer Syndrome; Hereditary neoplastic syndrome. Identifiers: Orphanet 140162, MedGen C0027672, MeSH D009386, MONDO:0015356.

gnomAD v4.1: 1 of 1,613,840 alleles (0.000062%); highest among the groups gnomAD compares: Non-Finnish European, 0.000085%; no homozygotes.

Submission:

Color Diagnostics, LLC DBA Color Health
Classification: Uncertain significance for Hereditary cancer-predisposing syndrome. Last evaluated: 2024-08-28. Review status: criteria provided, single submitter. Criteria: ACMG Guidelines, 2015. Collection method: clinical testing. Allele origin: germline.
Comment: This missense variant replaces leucine with phenylalanine at codon 1604 of the BRCA2 protein. Computational prediction suggests that this variant may not impact protein structure and function. To our knowledge, functional studies have not been reported for this variant. This variant has not been reported in individuals affected with BRCA2-related disorders in the literature. This variant has been identified in 1/250232 chromosomes in the general population by the Genome Aggregation Database (gnomAD). The available evidence is insufficient to determine the role of this variant in disease conclusively. Therefore, this variant is classified as a Variant of Uncertain Significance.

NM_000059.4(BRCA2):c.4810C>T (p.Leu1604Phe)

Gene: BRCA2 (BRCA2 DNA repair associated; plus strand). Cytogenetic location: 13q13.1.
Variant type: single nucleotide variant.
Coding change: c.4810C>T on transcript NM_000059.4 (MANE Select); coding-DNA position 4810, C replaced by T.
Protein change: p.Leu1604Phe; replaces leucine 1604 with phenylalanine.
Molecular consequence: missense variant. On other transcripts: non-coding transcript variant (1), intron variant (2).
Genome position (GRCh38, 1-based): chr13:32,339,165, C>T. VCF-style: chr13-32339165-C-T. GRCh37 (hg19) VCF-style: chr13-32913302-C-T.
Other names: c.4810C>T, p.Leu1604Phe (NM_001406719.1, NM_001406720.1, NM_001432077.1); c.1910-5393C>T (NM_001406721.1); c.425-5393C>T (NM_001406722.1); short protein forms L1604F.
Identifiers: ClinVar variation 3893718 (VCV003893718.1).
Genomic context (GRCh38, chr13:32,339,165, plus strand): 5'-GAGATCACAGCTGCCCCAAAGTGTAAAGAAATGCAGAATTCTCTCAATAATGATAAAAAC[C>T]TTGTTTCTATTGAGACTGTGGTGCCACCTAAGCTCTTAAGTGATAATTTATGTAGACAAA-3'
Protein context (NP_000050.3, residues 1594-1614): MQNSLNNDKN[Leu1604Phe]VSIETVVPPK